The following is an entry in ClinVar:

ClinVar aggregate classification (germline): Uncertain significance (1 of 4 stars; one submission).

Allele frequency attached by ClinVar (database versions not stated): TOPMed below 0.00001; gnomAD 0.00001; gnomAD exomes 0.00002; ESP Exome Variant Server 0.00008.
gnomAD v4.1: 44 of 1,613,986 alleles (0.0027%); highest among the groups gnomAD compares: Non-Finnish European, 0.0029%; no homozygotes.

Submission:

Labcorp Genetics (formerly Invitae), Labcorp
Classification: Uncertain significance. Last evaluated: 2022-04-18. Review status: criteria provided, single submitter. Criteria: Invitae Variant Classification Sherloc (09022015). Collection method: clinical testing. Allele origin: germline.
Comment: This sequence change replaces glycine, which is neutral and non-polar, with serine, which is neutral and polar, at codon 155 of the EYS protein (p.Gly155Ser). This variant is not present in population databases (gnomAD no frequency). This variant has not been reported in the literature in individuals affected with EYS-related conditions. Algorithms developed to predict the effect of missense changes on protein structure and function output the following: SIFT: "Tolerated"; PolyPhen-2: "Benign"; Align-GVGD: "Class C0". The serine amino acid residue is found in multiple mammalian species, which suggests that this missense change does not adversely affect protein function. In summary, the available evidence is currently insufficient to determine the role of this variant in disease. Therefore, it has been classified as a Variant of Uncertain Significance.

NM_001142800.2(EYS):c.463G>A (p.Gly155Ser)

Gene: EYS (eyes shut homolog; minus strand). Cytogenetic location: 6q12.
Variant type: single nucleotide variant.
Coding change: c.463G>A on transcript NM_001142800.2 (MANE Select); coding-DNA position 463, G replaced by A.
Protein change: p.Gly155Ser; replaces glycine 155 with serine.
Molecular consequence: missense variant.
Genome position (GRCh38, 1-based): chr6:65,494,948, C>T on the plus strand (G>A on the coding strand, the complement: EYS is on the minus strand). VCF-style: chr6-65494948-C-T. GRCh37 (hg19) VCF-style: chr6-66204841-C-T.
Other names: c.463G>A, p.Gly155Ser (NM_001142801.2, NM_001292009.2, NM_198283.2); short protein forms G155S.
Identifiers: ClinVar variation 2191205 (VCV002191205.1), dbSNP rs368874697, ClinGen allele CA140434968.